The following is an entry in ClinVar:

ClinVar aggregate classification (germline): Conflicting classifications of pathogenicity. Review status: criteria provided, conflicting classifications (1 of 4 stars). 3 submissions from 3 submitters: Uncertain significance (1); Likely benign (1). 1 of the submissions does not count toward it. Last evaluated 2026-01-14.

Conditions:
DNAH11-related disorder. Also called: DNAH11-related condition.
Primary ciliary dyskinesia. Also called: Ciliary dyskinesia. Identifiers: Orphanet 244, MedGen C0008780, MONDO:0016575, HP:0012265.

Allele frequency attached by ClinVar (database versions not stated): ESP Exome Variant Server 0.00008; gnomAD 0.00013; TOPMed 0.00013.
gnomAD v4.1: 500 of 1,605,534 alleles (0.031%); highest among the groups gnomAD compares: Non-Finnish European, 0.041%; no homozygotes.

Submissions (3):

Labcorp Genetics (formerly Invitae), Labcorp
Classification: Likely benign for Primary ciliary dyskinesia. Last evaluated: 2026-01-14. Review status: criteria provided, single submitter. Criteria: Invitae Variant Classification Sherloc (09022015). Collection method: clinical testing. Allele origin: germline.

Ambry Genetics
Classification: Uncertain significance for Primary ciliary dyskinesia. Last evaluated: 2024-02-17. Review status: criteria provided, single submitter. Criteria: Ambry Variant Classification Scheme 2023. Collection method: clinical testing. Allele origin: germline.
Comment: The p.V1914F variant (also known as c.5740G>T), located in coding exon 33 of the DNAH11 gene, results from a G to T substitution at nucleotide position 5740. The valine at codon 1914 is replaced by phenylalanine, an amino acid with highly similar properties. This amino acid position is highly conserved in available vertebrate species. In addition, the in silico prediction for this alteration is inconclusive. Since supporting evidence is limited at this time, the clinical significance of this alteration remains unclear.

PreventionGenetics, part of Exact Sciences
Classification: Uncertain significance for DNAH11-related condition. Last evaluated: 2024-05-01. Review status: no assertion criteria provided. Collection method: clinical testing. Allele origin: germline. Not counted in ClinVar's aggregate classification.
Comment: The DNAH11 c.5740G>T variant is predicted to result in the amino acid substitution p.Val1914Phe. To our knowledge, this variant has not been reported in the literature. This variant is reported in 0.024% of alleles in individuals of European (Non-Finnish) descent in gnomAD. At this time, the clinical significance of this variant is uncertain due to the absence of conclusive functional and genetic evidence.

NM_001277115.2(DNAH11):c.5740G>T (p.Val1914Phe)

Gene: DNAH11 (dynein axonemal heavy chain 11; plus strand). Cytogenetic location: 7p15.3.
Variant type: single nucleotide variant.
Coding change: c.5740G>T on transcript NM_001277115.2 (MANE Select); coding-DNA position 5740, G replaced by T.
Protein change: p.Val1914Phe; replaces valine 1914 with phenylalanine.
Molecular consequence: missense variant.
Genome position (GRCh38, 1-based): chr7:21,687,217, G>T. VCF-style: chr7-21687217-G-T. GRCh37 (hg19) VCF-style: chr7-21726835-G-T.
Other names: short protein forms V1914F.
Identifiers: ClinVar variation 410838 (VCV000410838.13), dbSNP rs201671992, ClinGen allele CA4180530.
Genomic context (GRCh38, chr7:21,687,217, plus strand): 5'-CCAGCTGGTACCGGGAAAACAGAGACCACCAAAGACCTAGGACGTGCCCTTGGCATGATG[G>T]TCTATGTATTCAACTGTTCAGAGCAAATGGACTACAAAGTAAGTTAGTAAGAGAATAATG-3'
Protein context (NP_001264044.1, residues 1904-1924): KDLGRALGMM[Val1914Phe]YVFNCSEQMD